The following is an entry in ClinVar:

NM_001384732.1(CPLANE1):c.3799A>G (p.Ile1267Val)

Gene: CPLANE1 (ciliogenesis and planar polarity effector complex subunit 1; minus strand). Cytogenetic location: 5p13.2.
Variant type: single nucleotide variant.
Coding change: c.3799A>G on transcript NM_001384732.1 (MANE Select); coding-DNA position 3799, A replaced by G.
Protein change: p.Ile1267Val; replaces isoleucine 1267 with valine.
Molecular consequence: missense variant.
Genome position (GRCh38, 1-based): chr5:37,195,870, T>C on the plus strand (A>G on the coding strand, the complement: CPLANE1 is on the minus strand). VCF-style: chr5-37195870-T-C. GRCh37 (hg19) VCF-style: chr5-37195972-T-C.
Other names: c.3799A>G, p.Ile1267Val (NM_023073.4); short protein forms I1267V.
Identifiers: ClinVar variation 1940578 (VCV001940578.4), dbSNP rs763344941, ClinGen allele CA3238857.
Genomic context (GRCh38, chr5:37,195,870, plus strand): 5'-AATATACCATCATTCATACTCTAAGCAAGCAGTTCATTTTGGACAAACCTATTGCTCTAA[T>C]GGAAACTTCATCAAGCTTGTGGTCTCCAGCTGCTCCAGGTCTAAAAAATGCGATACCTCC-3'
Protein context (NP_001371661.1, residues 1257-1277): AGDHKLDEVS[Ile1267Val]RAIGCFRELC

ClinVar aggregate classification (germline): Uncertain significance (1 of 4 stars; one submission).

Allele frequency attached by ClinVar (database versions not stated): gnomAD exomes below 0.00001; ExAC 0.00001.
gnomAD v4.1: 5 of 1,610,978 alleles (0.00031%); highest among the groups gnomAD compares: Admixed American, 0.0017%; no homozygotes.

Submission:

Labcorp Genetics (formerly Invitae), Labcorp
Classification: Uncertain significance. Last evaluated: 2022-06-02. Review status: criteria provided, single submitter. Criteria: Invitae Variant Classification Sherloc (09022015). Collection method: clinical testing. Allele origin: germline.
Comment: This variant is present in population databases (rs763344941, gnomAD 0.003%). This sequence change replaces isoleucine, which is neutral and non-polar, with valine, which is neutral and non-polar, at codon 1267 of the CPLANE1 protein (p.Ile1267Val). This variant has not been reported in the literature in individuals affected with CPLANE1-related conditions. In summary, the available evidence is currently insufficient to determine the role of this variant in disease. Therefore, it has been classified as a Variant of Uncertain Significance. Advanced modeling of protein sequence and biophysical properties (such as structural, functional, and spatial information, amino acid conservation, physicochemical variation, residue mobility, and thermodynamic stability) performed at Invitae indicates that this missense variant is not expected to disrupt CPLANE1 protein function.